The following is an entry in ClinVar:

ClinVar aggregate classification (germline): Pathogenic/Likely pathogenic. Review status: criteria provided, multiple submitters, no conflicts (2 of 4 stars). 2 submissions from 2 submitters: Pathogenic (1); Likely pathogenic (1). Last evaluated 2025-02-25.

Conditions:
Marfan syndrome (MFS). Also called: MARFAN SYNDROME, TYPE I; FBN1-Related Marfan Syndrome; Marfan syndrome, classic; Marfan syndrome type 1; Marfan's syndrome. Identifiers: Orphanet 284963, Orphanet 558, MedGen C0024796, MONDO:0007947, OMIM 154700.
Familial thoracic aortic aneurysm and aortic dissection (TAAD). Also called: Thoracic aortic aneurysms and dissections. Identifiers: Orphanet 91387, MedGen C4707243, MONDO:0019625.

Submissions (2):

Ambry Genetics
Classification: Likely pathogenic for Familial thoracic aortic aneurysm and aortic dissection. Last evaluated: 2025-02-25. Review status: criteria provided, single submitter. Criteria: Ambry Variant Classification Scheme 2023. Collection method: clinical testing. Allele origin: germline.
Comment: The p.C2390Y variant (also known as c.7169G>A), located in coding exon 57 of the FBN1 gene, results from a G to A substitution at nucleotide position 7169. The cysteine at codon 2390 is replaced by tyrosine, an amino acid with highly dissimilar properties. The majority of FBN1 mutations identified to date have involved the substitution or generation of cysteine residues within cbEGF domains (Vollbrandt T et al. J Biol Chem. 2004;279(31):32924-32931). Internal structural analysis indicates this alteration eliminates a disulfide bond critical for the structural integrity of the TB7 domain (Ambry internal data). This variant was reported in individual(s) with features consistent with Marfan syndrome (Ambry internal data; external communication). This variant is considered to be rare based on population cohorts in the Genome Aggregation Database (gnomAD). This amino acid position is highly conserved in available vertebrate species. In addition, this alteration is predicted to be deleterious by in silico analysis. Based on the majority of available evidence to date, this variant is likely to be pathogenic.

Labcorp Genetics (formerly Invitae), Labcorp
Classification: Pathogenic for Marfan syndrome; Familial thoracic aortic aneurysm and aortic dissection. Last evaluated: 2024-05-22. Review status: criteria provided, single submitter. Criteria: Invitae Variant Classification Sherloc (09022015). Collection method: clinical testing. Allele origin: germline.
Comment: This sequence change replaces cysteine, which is neutral and slightly polar, with tyrosine, which is neutral and polar, at codon 2390 of the FBN1 protein (p.Cys2390Tyr). This variant is not present in population databases (gnomAD no frequency). This missense change has been observed in individual(s) with clinical features of FBN1-related conditions (Invitae). ClinVar contains an entry for this variant (Variation ID: 221117). Advanced modeling of protein sequence and biophysical properties (such as structural, functional, and spatial information, amino acid conservation, physicochemical variation, residue mobility, and thermodynamic stability) performed at Invitae indicates that this missense variant is expected to disrupt FBN1 protein function with a positive predictive value of 95%. This variant affects a cysteine residue in the EGF-like, TGFBP or hybrid motif domains of FBN1. Cysteine residues are believed to be involved in intramolecular disulfide bridges and have been shown to be important for FBN1 protein structure (PMID: 16905551, 19349279). In addition, missense substitutions affecting cysteine residues within these domains are significantly overrepresented among patients with Marfan syndrome (PMID: 16571647, 17701892). This variant disrupts the p.Cys2390 amino acid residue in FBN1. Other variant(s) that disrupt this residue have been observed in individuals with FBN1-related conditions (PMID: 17663468, 33059708; Invitae), which suggests that this may be a clinically significant amino acid residue. For these reasons, this variant has been classified as Pathogenic.

Literature cited by the submitters: PubMed 16905551 (cited by Labcorp Genetics (formerly Invitae), Labcorp); PubMed 19349279 (cited by Labcorp Genetics (formerly Invitae), Labcorp); PubMed 16571647 (cited by Labcorp Genetics (formerly Invitae), Labcorp); PubMed 17701892 (cited by Labcorp Genetics (formerly Invitae), Labcorp); PubMed 17663468 (cited by Labcorp Genetics (formerly Invitae), Labcorp); PubMed 33059708 (cited by Labcorp Genetics (formerly Invitae), Labcorp).

NM_000138.5(FBN1):c.7169G>A (p.Cys2390Tyr)

Gene: FBN1 (fibrillin 1; minus strand). Cytogenetic location: 15q21.1.
Variant type: single nucleotide variant.
Coding change: c.7169G>A on transcript NM_000138.5 (MANE Select); coding-DNA position 7169, G replaced by A.
Protein change: p.Cys2390Tyr; replaces cysteine 2390 with tyrosine.
Molecular consequence: missense variant.
Genome position (GRCh38, 1-based): chr15:48,427,602, C>T on the plus strand (G>A on the coding strand, the complement: FBN1 is on the minus strand). VCF-style: chr15-48427602-C-T. GRCh37 (hg19) VCF-style: chr15-48719799-C-T.
Other names: short protein forms C2390Y.
Identifiers: ClinVar variation 221117 (VCV000221117.10), dbSNP rs864622754, ClinGen allele CA350431.